The following is an entry in ClinVar:

NM_018100.4(EFHC1):c.1265A>T (p.Tyr422Phe)

Gene: EFHC1 (EF-hand domain containing 1; plus strand). Cytogenetic location: 6p12.2.
Variant type: single nucleotide variant.
Coding change: c.1265A>T on transcript NM_018100.4 (MANE Select); coding-DNA position 1265, A replaced by T.
Protein change: p.Tyr422Phe; replaces tyrosine 422 with phenylalanine.
Molecular consequence: missense variant. On other transcripts: non-coding transcript variant (1).
Genome position (GRCh38, 1-based): chr6:52,469,460, A>T. VCF-style: chr6-52469460-A-T. GRCh37 (hg19) VCF-style: chr6-52334258-A-T.
Other names: c.1208A>T, p.Tyr403Phe (NM_001172420.2); short protein forms Y422F, Y403F.
Identifiers: ClinVar variation 357485 (VCV000357485.16), dbSNP rs750259384, ClinGen allele CA3856027.
Genomic context (GRCh38, chr6:52,469,460, plus strand): 5'-CAAAAGCTCCAAAAAAAGACGTTATTAAAATGCTGGTGAATGATAACAAGGTGCTTCGTT[A>T]TTTGGCTGTACTGGTGAGGCTAATTTTTATATACTAAAGATTCTCTTCTATCTCAGTACT-3'
Protein context (NP_060570.2, residues 412-432): MLVNDNKVLR[Tyr422Phe]LAVLESPIPE

ClinVar aggregate classification (germline): Uncertain significance. Review status: criteria provided, multiple submitters, no conflicts (2 of 4 stars). 2 submissions from 2 submitters: Uncertain significance (2). Last evaluated 2025-08-12.

Conditions:
Absence seizure. Also called: Absence epilepsy. Identifiers: Orphanet 1941, MedGen C0014553.
Myoclonic epilepsy, juvenile, susceptibility to, 1. Also called: Myoclonic Epilepsy, Juvenile, 1; EJM1. Identifiers: MedGen C1850778, MONDO:0020752, OMIM 254770.

Allele frequency attached by ClinVar (database versions not stated): TOPMed 0.00002; ExAC 0.00003; gnomAD 0.00003 and 0.00004; gnomAD exomes 0.00003.
gnomAD v4.1: 84 of 1,613,766 alleles (0.0052%); highest among the groups gnomAD compares: Non-Finnish European, 0.0071%; no homozygotes.

Submissions (2):

Ambry Genetics
Classification: Uncertain significance. Last evaluated: 2025-08-12. Review status: criteria provided, single submitter. Criteria: Ambry Variant Classification Scheme 2023. Collection method: clinical testing. Allele origin: germline.

Labcorp Genetics (formerly Invitae), Labcorp
Classification: Uncertain significance for Myoclonic epilepsy, juvenile, susceptibility to, 1; Absence seizure. Last evaluated: 2022-07-26. Review status: criteria provided, single submitter. Criteria: Invitae Variant Classification Sherloc (09022015). Collection method: clinical testing. Allele origin: germline.
Comment: This sequence change replaces tyrosine, which is neutral and polar, with phenylalanine, which is neutral and non-polar, at codon 422 of the EFHC1 protein (p.Tyr422Phe). In summary, the available evidence is currently insufficient to determine the role of this variant in disease. Therefore, it has been classified as a Variant of Uncertain Significance. Algorithms developed to predict the effect of missense changes on protein structure and function output the following: SIFT: "Tolerated"; PolyPhen-2: "Benign"; Align-GVGD: "Class C0". The phenylalanine amino acid residue is found in multiple mammalian species, which suggests that this missense change does not adversely affect protein function. ClinVar contains an entry for this variant (Variation ID: 357485). This variant has not been reported in the literature in individuals affected with EFHC1-related conditions. This variant is present in population databases (rs750259384, gnomAD 0.01%).